The following is an entry in ClinVar:

ClinVar aggregate classification (germline): Uncertain significance. Review status: criteria provided, multiple submitters, no conflicts (2 of 4 stars). 3 submissions from 3 submitters: Uncertain significance (3). Last evaluated 2023-05-05.

Conditions:
Inborn genetic diseases. Identifiers: MedGen C0950123, MeSH D030342.

Allele frequency attached by ClinVar (database versions not stated): ExAC below 0.00001; gnomAD exomes 0.00001 and 0.00002; TOPMed 0.00004.
gnomAD v4.1: 28 of 1,489,078 alleles (0.0019%); highest among the groups gnomAD compares: Middle Eastern, 0.16%; no homozygotes.

Submissions (3):

Blueprint Genetics
Classification: Uncertain significance. Last evaluated: 2023-05-05. Review status: criteria provided, single submitter. Criteria: ACMG Guidelines, 2015. Collection method: clinical testing. Allele origin: germline.

Ambry Genetics
Classification: Uncertain significance for Inborn genetic diseases. Last evaluated: 2022-09-14. Review status: criteria provided, single submitter. Criteria: Ambry Variant Classification Scheme 2023. Collection method: clinical testing. Allele origin: germline.

Labcorp Genetics (formerly Invitae), Labcorp
Classification: Uncertain significance. Last evaluated: 2022-08-15. Review status: criteria provided, single submitter. Criteria: Invitae Variant Classification Sherloc (09022015). Collection method: clinical testing. Allele origin: germline.
Comment: This sequence change replaces alanine, which is neutral and non-polar, with valine, which is neutral and non-polar, at codon 69 of the P3H2 protein (p.Ala69Val). The frequency data for this variant in the population databases is considered unreliable, as metrics indicate poor data quality at this position in the gnomAD database. This variant has not been reported in the literature in individuals affected with P3H2-related conditions. ClinVar contains an entry for this variant (Variation ID: 1007586). Algorithms developed to predict the effect of missense changes on protein structure and function (SIFT, PolyPhen-2, Align-GVGD) all suggest that this variant is likely to be tolerated. In summary, the available evidence is currently insufficient to determine the role of this variant in disease. Therefore, it has been classified as a Variant of Uncertain Significance.

NM_018192.4(P3H2):c.206C>T (p.Ala69Val)

Gene: P3H2 (prolyl 3-hydroxylase 2; minus strand). Cytogenetic location: 3q28.
Variant type: single nucleotide variant.
Coding change: c.206C>T on transcript NM_018192.4 (MANE Select); coding-DNA position 206, C replaced by T.
Protein change: p.Ala69Val; replaces alanine 69 with valine.
Molecular consequence: missense variant. On other transcripts: intron variant (1).
Genome position (GRCh38, 1-based): chr3:190,120,526, G>A on the plus strand (C>T on the coding strand, the complement: P3H2 is on the minus strand). VCF-style: chr3-190120526-G-A. GRCh37 (hg19) VCF-style: chr3-189838315-G-A.
Other names: c.-64+1677C>T (NM_001134418.2); c.206C>T (NM_018192.3); short protein forms A69V.
Identifiers: ClinVar variation 1007586 (VCV001007586.4), dbSNP rs759015600, ClinGen allele CA2753408.
Genomic context (GRCh38, chr3:190,120,526, plus strand): 5'-GCGCAGTGGCGGGCACAGCGCGTGCGGATTTCCCGCAGGCGCCGGTGGCTGCGCAGCGCC[G>A]CTTCCAAGTCGCGCACCGCTCGCTCGTAGTCTCCGCTGTAGTAGGCGGCCGCGCCGCTGG-3'
Protein context (NP_060662.2, residues 59-79): DYERAVRDLE[Ala69Val]ALRSHRRLRE